The following is an entry in ClinVar:

NM_001029896.2(WDR45):c.577A>T (p.Ser193Cys)

Gene: WDR45 (WD repeat domain 45; minus strand). Cytogenetic location: Xp11.23.
Variant type: single nucleotide variant.
Coding change: c.577A>T on transcript NM_001029896.2 (MANE Select); coding-DNA position 577, A replaced by T.
Protein change: p.Ser193Cys; replaces serine 193 with cysteine.
Molecular consequence: missense variant.
Genome position (GRCh38, 1-based): chrX:49,075,693, T>A on the plus strand (A>T on the coding strand, the complement: WDR45 is on the minus strand). VCF-style: chrX-49075693-T-A. GRCh37 (hg19) VCF-style: chrX-48933352-T-A.
Other names: c.580A>T, p.Ser194Cys (NM_007075.4); short protein forms S193C, S194C.
Identifiers: ClinVar variation 1924265 (VCV001924265.5), dbSNP rs2520261667, ClinGen allele CA412944523.
Genomic context (GRCh38, chrX:49,075,693, plus strand): 5'-TCTGGGAGGCTGAGGCCACTACAGTGCCTGGCTGGTTTAGAGACACACAGGCTATGTCAC[T>A]CTGATGTGCATTGATCGTGAATGGAGCAGACGAGGTGCCAGGCTTTGTGCTCGCCAGGTC-3'
Protein context (NP_001025067.1, residues 183-203): SAPFTINAHQ[Ser193Cys]DIACVSLNQP

ClinVar aggregate classification (germline): Uncertain significance (1 of 4 stars; one submission).

Conditions:
Neurodegeneration with brain iron accumulation 5 (NBIA5). Also called: STATIC ENCEPHALOPATHY OF CHILDHOOD WITH NEURODEGENERATION IN ADULTHOOD; Beta-propeller protein-associated neurodegeneration. Identifiers: Orphanet 329284, MedGen C3550973, MONDO:0010476, OMIM 300894.

Submission:

Labcorp Genetics (formerly Invitae), Labcorp
Classification: Uncertain significance for Neurodegeneration with brain iron accumulation 5. Last evaluated: 2022-08-22. Review status: criteria provided, single submitter. Criteria: Invitae Variant Classification Sherloc (09022015). Collection method: clinical testing. Allele origin: germline.
Comment: In summary, the available evidence is currently insufficient to determine the role of this variant in disease. Therefore, it has been classified as a Variant of Uncertain Significance. Algorithms developed to predict the effect of missense changes on protein structure and function are either unavailable or do not agree on the potential impact of this missense change (SIFT: "Deleterious"; PolyPhen-2: "Possibly Damaging"; Align-GVGD: "Class C15"). This variant has not been reported in the literature in individuals affected with WDR45-related conditions. This variant is not present in population databases (gnomAD no frequency). This sequence change replaces serine, which is neutral and polar, with cysteine, which is neutral and slightly polar, at codon 194 of the WDR45 protein (p.Ser194Cys).